The following is an entry in ClinVar:

NM_002661.5(PLCG2):c.3263A>C (p.Glu1088Ala)

Gene: PLCG2 (phospholipase C gamma 2; plus strand). Cytogenetic location: 16q23.3.
Variant type: single nucleotide variant.
Coding change: c.3263A>C on transcript NM_002661.5 (MANE Select); coding-DNA position 3263, A replaced by C.
Protein change: p.Glu1088Ala; replaces glutamic acid 1088 with alanine.
Molecular consequence: missense variant.
Genome position (GRCh38, 1-based): chr16:81,938,865, A>C. VCF-style: chr16-81938865-A-C. GRCh37 (hg19) VCF-style: chr16-81972470-A-C.
Other names: short protein forms E1088A.
Identifiers: ClinVar variation 860080 (VCV000860080.9), dbSNP rs1426507749, ClinGen allele CA396907535.

ClinVar aggregate classification (germline): Uncertain significance (1 of 4 stars; one submission).

Conditions:
Familial cold autoinflammatory syndrome 3 (FCAS3). Also called: ANTIBODY DEFICIENCY AND IMMUNE DYSREGULATION, PLCG2-ASSOCIATED; FAMILIAL ATYPICAL COLD URTICARIA. Identifiers: Orphanet 300359, MedGen C3280914, MONDO:0013766, OMIM 614468.

Allele frequency attached by ClinVar (database versions not stated): gnomAD exomes below 0.00001 and 0.00001; TOPMed 0.00001.
gnomAD v4.1: 2 of 1,613,520 alleles (0.00012%); highest among the groups gnomAD compares: Admixed American, 0.0033%; no homozygotes.

Submission:

Labcorp Genetics (formerly Invitae), Labcorp
Classification: Uncertain significance for Familial cold autoinflammatory syndrome 3. Last evaluated: 2019-01-04. Review status: criteria provided, single submitter. Criteria: Invitae Variant Classification Sherloc (09022015). Collection method: clinical testing. Allele origin: germline.
Comment: In summary, the available evidence is currently insufficient to determine the role of this variant in disease. Therefore, it has been classified as a Variant of Uncertain Significance. Algorithms developed to predict the effect of missense changes on protein structure and function (SIFT, PolyPhen-2, Align-GVGD) all suggest that this variant is likely to be disruptive, but these predictions have not been confirmed by published functional studies and their clinical significance is uncertain. This variant has not been reported in the literature in individuals with PLCG2-related disease. This variant is not present in population databases (ExAC no frequency). This sequence change replaces glutamic acid with alanine at codon 1088 of the PLCG2 protein (p.Glu1088Ala). The glutamic acid residue is highly conserved and there is a moderate physicochemical difference between glutamic acid and alanine.